The following is an entry in ClinVar:

ClinVar aggregate classification (germline): Uncertain significance. Review status: criteria provided, multiple submitters, no conflicts (2 of 4 stars). 6 submissions from 6 submitters: Uncertain significance (6). Last evaluated 2025-02-09.

Conditions:
Hereditary breast ovarian cancer syndrome. Also called: Hereditary breast and ovarian cancer; Hereditary breast and ovarian cancer syndrome (HBOC); Breast and ovarian cancer; BRCA1- and BRCA2-Associated Hereditary Breast and Ovarian Cancer; Hereditary breast and ovarian cancer syndrome; Hereditary breast and/or ovarian cancer syndrome. Identifiers: Orphanet 145, MedGen C0677776, MeSH D061325, MONDO:0003582. Disease mechanism: loss of function.
Hereditary cancer-predisposing syndrome. Also called: Tumor predisposition; Neoplastic Syndromes, Hereditary; Hereditary Cancer Syndrome; Hereditary neoplastic syndrome. Identifiers: Orphanet 140162, MedGen C0027672, MeSH D009386, MONDO:0015356.
Breast-ovarian cancer, familial, susceptibility to, 1 (BROVCA1). Also called: OVARIAN CANCER, SUSCEPTIBILITY TO; BRCA1 Hereditary Breast and Ovarian Cancer. Identifiers: Orphanet 145, MedGen C2676676, MONDO:0011450, OMIM 604370. Disease mechanism: loss of function.

Submissions (6):

Labcorp Genetics (formerly Invitae), Labcorp
Classification: Uncertain significance for Hereditary breast ovarian cancer syndrome. Last evaluated: 2025-02-09. Review status: criteria provided, single submitter. Criteria: Invitae Variant Classification Sherloc (09022015). Collection method: clinical testing. Allele origin: germline.
Comment: This sequence change replaces serine, which is neutral and polar, with phenylalanine, which is neutral and non-polar, at codon 1514 of the BRCA1 protein (p.Ser1514Phe). This variant is not present in population databases (gnomAD no frequency). This variant has not been reported in the literature in individuals affected with BRCA1-related conditions. ClinVar contains an entry for this variant (Variation ID: 216669). Invitae Evidence Modeling of protein sequence and biophysical properties (such as structural, functional, and spatial information, amino acid conservation, physicochemical variation, residue mobility, and thermodynamic stability) has been performed for this missense variant. However, the output from this modeling did not meet the statistical confidence thresholds required to predict the impact of this variant on BRCA1 protein function. In summary, the available evidence is currently insufficient to determine the role of this variant in disease. Therefore, it has been classified as a Variant of Uncertain Significance.

CeGaT Center for Human Genetics Tuebingen
Classification: Uncertain significance. Last evaluated: 2024-11-01. Review status: criteria provided, single submitter. Criteria: CeGaT Center For Human Genetics Tuebingen Variant Classification Criteria Version 2. Collection method: clinical testing. Allele origin: germline. Affected: yes. Observed: 1 variant allele.
Comment: BRCA1: PM2

Ambry Genetics
Classification: Uncertain significance for Hereditary cancer-predisposing syndrome. Last evaluated: 2024-05-25. Review status: criteria provided, single submitter. Criteria: Ambry Variant Classification Scheme 2023. Collection method: clinical testing. Allele origin: germline.
Comment: The p.S1514F variant (also known as c.4541C>T), located in coding exon 13 of the BRCA1 gene, results from a C to T substitution at nucleotide position 4541. The serine at codon 1514 is replaced by phenylalanine, an amino acid with highly dissimilar properties. This variant was not reported in population based cohorts in the following databases: Database of Single Nucleotide Polymorphisms (dbSNP), NHLBI Exome Sequencing Project (ESP), and 1000 Genomes Project. In the ESP, this variant was not observed in 6503 samples (13006 alleles) with coverage at this position. To date, this alteration has been detected with an allele frequency of approximately 0.0003% (greater than 300000 alleles tested) in our clinical cohort. This amino acid position is well conserved in available vertebrate species. In addition, the in silico prediction for this alteration is inconclusive. Since supporting evidence is limited at this time, the clinical significance of this alteration remains unclear.

All of Us Research Program, National Institutes of Health
Classification: Uncertain significance for Breast-ovarian cancer, familial, susceptibility to, 1. Last evaluated: 2023-08-15. Review status: criteria provided, single submitter. Criteria: ACMG Guidelines, 2015. Collection method: clinical testing. Allele origin: germline. Inheritance: Autosomal dominant inheritance. Observed: 1 variant allele, 1 heterozygote.
Comment: This missense variant replaces serine with phenylalanine at codon 1514 of the BRCA1 protein. Computational prediction is inconclusive regarding the impact of this variant on protein structure and function (internally defined REVEL score threshold 0.5 < inconclusive < 0.7, PMID: 27666373). To our knowledge, functional studies have not been reported for this variant. This variant has not been reported in individuals affected with BRCA1-related disorders in the literature. This variant has not been identified in the general population by the Genome Aggregation Database (gnomAD). The available evidence is insufficient to determine the role of this variant in disease conclusively. Therefore, this variant is classified as a Variant of Uncertain Significance.

This study involves interpretation of variants in research participants for the purpose of population health screening. Participant phenotype was not available at the time of variant classification. Additional details can be found in publication PMID: 35346344, PMCID: PMC8962531

Color Diagnostics, LLC DBA Color Health
Classification: Uncertain significance for Hereditary cancer-predisposing syndrome. Last evaluated: 2023-08-02. Review status: criteria provided, single submitter. Criteria: ACMG Guidelines, 2015. Collection method: clinical testing. Allele origin: germline.
Comment: This missense variant replaces serine with phenylalanine at codon 1514 of the BRCA1 protein. Computational prediction is inconclusive regarding the impact of this variant on protein structure and function (internally defined REVEL score threshold 0.5 < inconclusive < 0.7, PMID: 27666373). To our knowledge, functional studies have not been reported for this variant. This variant has not been reported in individuals affected with BRCA1-related disorders in the literature. This variant has not been identified in the general population by the Genome Aggregation Database (gnomAD). The available evidence is insufficient to determine the role of this variant in disease conclusively. Therefore, this variant is classified as a Variant of Uncertain Significance.

GeneDx
Classification: Uncertain significance. Last evaluated: 2016-09-08. Review status: criteria provided, single submitter. Criteria: GeneDx Variant Classification (06012015). Collection method: clinical testing. Allele origin: germline. Affected: yes.
Comment: This variant is denoted BRCA1 c.4541C>T at the cDNA level, p.Ser1514Phe (S1514F) at the protein level, and results in the change of a Serine to a Phenylalanine (TCT>TTT). Using alternate nomenclature, this variant would be defined as BRCA1 4660C>T. This variant has not, to our knowledge, been published in the literature as pathogenic or benign. BRCA1 Ser1514Phe was not observed in approximately 6,500 individuals of European and African American ancestry in the NHLBI Exome Sequencing Project, suggesting it is not a common benign variant in these populations. Since Serine and Phenylalanine differ in polarity, charge, size or other properties, this is considered a non-conservative amino acid substitution. BRCA1 Ser1514Phe occurs at a position that is not conserved and is located in the SCD domain and a region known to interact with multiple other proteins (Chen 1998, Narod 2004, Clark 2012). In silico analyses predict that this variant is probably damaging to protein structure and function. Based on currently available evidence, it is unclear whether BRCA1 Ser1514Phe is a pathogenic or benign variant. We consider it to be a variant of uncertain significance.

NM_007294.4(BRCA1):c.4541C>T (p.Ser1514Phe)

Gene: BRCA1 (BRCA1 DNA repair associated; minus strand). Cytogenetic location: 17q21.31.
Variant type: single nucleotide variant.
Coding change: c.4541C>T on transcript NM_007294.4 (MANE Select); coding-DNA position 4541, C replaced by T.
Protein change: p.Ser1514Phe; replaces serine 1514 with phenylalanine.
Molecular consequence: missense variant. On other transcripts: non-coding transcript variant (1).
Genome position (GRCh38, 1-based): chr17:43,074,465, G>A on the plus strand (C>T on the coding strand, the complement: BRCA1 is on the minus strand). VCF-style: chr17-43074465-G-A. GRCh37 (hg19) VCF-style: chr17-41226482-G-A.
Other names: c.4328C>T, p.Ser1443Phe (NM_001407571.1, NM_001407894.1, NM_001407895.1 and 12 more transcripts); c.4607C>T, p.Ser1536Phe (NM_001407581.1, NM_001407582.1); c.4604C>T, p.Ser1535Phe (NM_001407583.1, NM_001407585.1, NM_001407587.1 and 1 more transcripts); c.4601C>T, p.Ser1534Phe (NM_001407590.1, NM_001407591.1); c.4541C>T, p.Ser1514Phe (NM_001407593.1, NM_001407594.1, NM_001407596.1 and 8 more transcripts); c.4538C>T, p.Ser1513Phe (NM_001407610.1, NM_001407611.1, NM_001407612.1 and 17 more transcripts); c.4535C>T, p.Ser1512Phe (NM_001407630.1, NM_001407631.1, NM_001407632.1 and 14 more transcripts); c.4463C>T, p.Ser1488Phe (NM_001407653.1, NM_001407654.1, NM_001407655.1); and 68 more; short protein forms S1514F, S1535F, S1467F, S410F, S1217F, S1426F, S1465F, S1512F.
Identifiers: ClinVar variation 216669 (VCV000216669.36), dbSNP rs863224761, ClinGen allele CA338077.